The following is an entry in ClinVar:

ClinVar aggregate classification (germline): Conflicting classifications of pathogenicity. Review status: criteria provided, conflicting classifications (1 of 4 stars). 2 submissions from 2 submitters: Uncertain significance (1); Likely benign (1). Last evaluated 2025-02-25.

Conditions:
Hereditary cancer-predisposing syndrome. Also called: Tumor predisposition; Hereditary neoplastic syndrome; Hereditary Cancer Syndrome; Neoplastic Syndromes, Hereditary. Identifiers: Orphanet 140162, MedGen C0027672, MeSH D009386, MONDO:0015356.

Allele frequency attached by ClinVar (database versions not stated): gnomAD below 0.00001 and 0.00002; gnomAD exomes 0.00001 and 0.00002; ExAC 0.00004; 1000 Genomes Project 0.00020; 1000 Genomes Project 30x 0.00031.
gnomAD v4.1: 7 of 1,612,428 alleles (0.00043%); highest among the groups gnomAD compares: South Asian, 0.0077%; no homozygotes.

Submissions (2):

Ambry Genetics
Classification: Likely benign for Hereditary cancer-predisposing syndrome. Last evaluated: 2025-02-25. Review status: criteria provided, single submitter. Criteria: Ambry Variant Classification Scheme 2023. Collection method: clinical testing. Allele origin: germline.

Labcorp Genetics (formerly Invitae), Labcorp
Classification: Uncertain significance. Last evaluated: 2023-02-10. Review status: criteria provided, single submitter. Criteria: Invitae Variant Classification Sherloc (09022015). Collection method: clinical testing. Allele origin: germline.
Comment: ClinVar contains an entry for this variant (Variation ID: 962649). This variant has not been reported in the literature in individuals affected with POLE-related conditions. This variant is present in population databases (rs534874513, gnomAD 0.01%). This sequence change replaces leucine, which is neutral and non-polar, with valine, which is neutral and non-polar, at codon 2015 of the POLE protein (p.Leu2015Val). Advanced modeling of protein sequence and biophysical properties (such as structural, functional, and spatial information, amino acid conservation, physicochemical variation, residue mobility, and thermodynamic stability) performed at Invitae indicates that this missense variant is not expected to disrupt POLE protein function. In summary, the available evidence is currently insufficient to determine the role of this variant in disease. Therefore, it has been classified as a Variant of Uncertain Significance.

NM_006231.4(POLE):c.6043C>G (p.Leu2015Val)

Gene: POLE (DNA polymerase epsilon, catalytic subunit; minus strand). Cytogenetic location: 12q24.33.
Variant type: single nucleotide variant.
Coding change: c.6043C>G on transcript NM_006231.4 (MANE Select); coding-DNA position 6043, C replaced by G.
Protein change: p.Leu2015Val; replaces leucine 2015 with valine.
Molecular consequence: missense variant.
Genome position (GRCh38, 1-based): chr12:132,632,757, G>C on the plus strand (C>G on the coding strand, the complement: POLE is on the minus strand). VCF-style: chr12-132632757-G-C. GRCh37 (hg19) VCF-style: chr12-133209343-G-C.
Other names: c.6043C>G (NM_006231.2); short protein forms L2015V.
Identifiers: ClinVar variation 962649 (VCV000962649.9), dbSNP rs534874513, ClinGen allele CA6892300.